The following is an entry in ClinVar:

ClinVar aggregate classification (germline): Uncertain significance. Review status: criteria provided, multiple submitters, no conflicts (2 of 4 stars). 6 submissions from 6 submitters: Uncertain significance (5). 1 of the submissions does not count toward it. Last evaluated 2026-01-06.

Conditions:
Hereditary cancer-predisposing syndrome. Also called: Tumor predisposition; Hereditary neoplastic syndrome; Neoplastic Syndromes, Hereditary; Hereditary Cancer Syndrome. Identifiers: Orphanet 140162, MedGen C0027672, MeSH D009386, MONDO:0015356.
Neuroblastoma, susceptibility to, 3. Also called: ALK-Related Neuroblastic Tumor Susceptibility. Identifiers: Orphanet 635, MedGen C2751681, MONDO:0013083, OMIM 613014.

Allele frequency attached by ClinVar (database versions not stated): ExAC 0.00002; gnomAD exomes 0.00003; gnomAD 0.00005; TOPMed 0.00008.
gnomAD v4.1: 78 of 1,614,096 alleles (0.0048%); highest among the groups gnomAD compares: South Asian, 0.025%; 2 homozygotes.

Submissions (6):

Labcorp Genetics (formerly Invitae), Labcorp
Classification: Uncertain significance for Neuroblastoma, susceptibility to, 3. Last evaluated: 2026-01-06. Review status: criteria provided, single submitter. Criteria: Invitae Variant Classification Sherloc (09022015). Collection method: clinical testing. Allele origin: germline.
Comment: This sequence change replaces glycine, which is neutral and non-polar, with arginine, which is basic and polar, at codon 1011 of the ALK protein (p.Gly1011Arg). This variant is present in population databases (rs587778021, gnomAD 0.02%). This variant has not been reported in the literature in individuals affected with ALK-related conditions. ClinVar contains an entry for this variant (Variation ID: 133466). An algorithm developed to predict the effect of missense changes on protein structure and function (PolyPhen-2) suggests that this variant is likely to be disruptive. In summary, the available evidence is currently insufficient to determine the role of this variant in disease. Therefore, it has been classified as a Variant of Uncertain Significance.

Ambry Genetics
Classification: Uncertain significance for Hereditary cancer-predisposing syndrome. Last evaluated: 2024-12-12. Review status: criteria provided, single submitter. Criteria: Ambry Variant Classification Scheme 2023. Collection method: clinical testing. Allele origin: germline.
Comment: The p.G1011R variant (also known as c.3031G>A), located in coding exon 18 of the ALK gene, results from a G to A substitution at nucleotide position 3031. The glycine at codon 1011 is replaced by arginine, an amino acid with dissimilar properties. This amino acid position is conserved. In addition, this alteration is predicted to be deleterious by in silico analysis. Based on the available evidence, the clinical significance of this variant remains unclear.

Baylor Genetics
Classification: Uncertain significance for Neuroblastoma, susceptibility to, 3. Last evaluated: 2024-03-11. Review status: criteria provided, single submitter. Criteria: ACMG Guidelines, 2015. Collection method: clinical testing. Allele origin: unknown.

GeneDx
Classification: Uncertain significance. Last evaluated: 2023-12-01. Review status: criteria provided, single submitter. Criteria: GeneDx Variant Classification Process June 2021. Collection method: clinical testing. Allele origin: germline. Affected: yes.
Comment: In silico analysis supports that this missense variant has a deleterious effect on protein structure/function; Identified in healthy individuals undergoing whole genome sequencing (PMID: 24728327); This variant is associated with the following publications: (PMID: 24728327)

St. Jude Molecular Pathology, St. Jude Children's Research Hospital
Classification: Uncertain significance for Neuroblastoma, susceptibility to, 3. Last evaluated: 2022-12-19. Review status: criteria provided, single submitter. Criteria: St. Jude Assertion Criteria 2020. Collection method: clinical testing. Allele origin: germline.
Comment: The ALK c.3031G>A (p.Gly1011Arg) missense change has a maximum subpopulation frequency of 0.013% in gnomAD v2.1.1. The in silico tool REVEL predicts a deleterious effect on protein function, but to our knowledge this prediction has not been confirmed by functional studies. To our knowledge, this variant has not been reported in the literature in individuals with ALK-related neuroblastic tumor susceptibility. In summary, the evidence currently available is insufficient to determine the clinical significance of this variant. It has therefore been classified as of uncertain significance.

ITMI
No classification provided. Condition: AllHighlyPenetrant. Last evaluated: 2013-09-19. Review status: no classification provided. Collection method: reference population. Allele origin: germline. Not counted in ClinVar's aggregate classification.
Comment: Please see associated publication for description of ethnicities

Literature cited by the submitters: PubMed 24728327 (cited by ITMI).

NM_004304.5(ALK):c.3031G>A (p.Gly1011Arg)

Gene: ALK (ALK receptor tyrosine kinase; minus strand). Cytogenetic location: 2p23.2.
Variant type: single nucleotide variant.
Coding change: c.3031G>A on transcript NM_004304.5 (MANE Select); coding-DNA position 3031, G replaced by A.
Protein change: p.Gly1011Arg; replaces glycine 1011 with arginine.
Molecular consequence: missense variant.
Genome position (GRCh38, 1-based): chr2:29,226,958, C>T on the plus strand (G>A on the coding strand, the complement: ALK is on the minus strand). VCF-style: chr2-29226958-C-T. GRCh37 (hg19) VCF-style: chr2-29449824-C-T.
Other names: short protein forms G1011R.
Identifiers: ClinVar variation 133466 (VCV000133466.14), dbSNP rs587778021, ClinGen allele CA156614.